The following is an entry in ClinVar:

NM_002335.4(LRP5):c.3714C>A (p.Cys1238Ter)

Gene: LRP5 (LDL receptor related protein 5; plus strand). Cytogenetic location: 11q13.2.
Variant type: single nucleotide variant.
Coding change: c.3714C>A on transcript NM_002335.4 (MANE Select); coding-DNA position 3714, C replaced by A.
Protein change: p.Cys1238Ter; replaces cysteine 1238 with a stop codon.
Molecular consequence: nonsense.
Genome position (GRCh38, 1-based): chr11:68,429,651, C>A. VCF-style: chr11-68429651-C-A. GRCh37 (hg19) VCF-style: chr11-68197119-C-A.
Other names: c.1971C>A, p.Cys657Ter (NM_001291902.2); short protein forms C1238*, C657*.
Identifiers: ClinVar variation 4292113 (VCV004292113.1).

ClinVar aggregate classification (germline): Likely pathogenic (1 of 4 stars; one submission).

Conditions:
Osteoporosis with pseudoglioma (OPPG). Also called: osteoporosis-pseudoglioma syndrome. Identifiers: Orphanet 2788, MedGen C0432252, MONDO:0009820, OMIM 259770.

Submission:

3billion
Classification: Likely pathogenic for Osteoporosis with pseudoglioma. Last evaluated: 2024-08-21. Review status: criteria provided, single submitter. Criteria: ACMG Guidelines, 2015. Collection method: clinical testing. Allele origin: germline. Affected: yes.
Comment: The variant is not observed in the gnomAD v4.0.0 dataset. Predicted Consequence/Location: Stop-gained (nonsense): predicted to result in a loss or disruption of normal protein function through nonsense-mediated decay (NMD) or protein truncation. Multiple pathogenic variants are reported downstream of the variant. Therefore, this variant is classified as Likely pathogenic according to the recommendation of ACMG/AMP guideline.